The following is an entry in ClinVar:

ClinVar aggregate classification (germline): Uncertain significance (1 of 4 stars; one submission).

Submission:

Greenwood Genetic Center Diagnostic Laboratories, Greenwood Genetic Center
Classification: Uncertain significance. Last evaluated: 2021-02-08. Review status: criteria provided, single submitter. Criteria: ACMG Guidelines, 2015. Collection method: clinical testing. Allele origin: germline. Affected: yes.
Comment: PM2

NM_020706.2(SCAF4):c.2549T>C (p.Leu850Pro)

Gene: SCAF4 (SR-related CTD associated factor 4; minus strand). Cytogenetic location: 21q22.11.
Variant type: single nucleotide variant.
Coding change: c.2549T>C on transcript NM_020706.2 (MANE Select); coding-DNA position 2549, T replaced by C.
Protein change: p.Leu850Pro; replaces leucine 850 with proline.
Molecular consequence: missense variant.
Genome position (GRCh38, 1-based): chr21:31,672,294, A>G on the plus strand (T>C on the coding strand, the complement: SCAF4 is on the minus strand). VCF-style: chr21-31672294-A-G. GRCh37 (hg19) VCF-style: chr21-33044607-A-G.
Other names: c.2504T>C, p.Leu835Pro (NM_001145444.1); c.2483T>C, p.Leu828Pro (NM_001145445.1); short protein forms L828P, L835P, L850P.
Identifiers: ClinVar variation 1331571 (VCV001331571.4), dbSNP rs2123452479, ClinGen allele CA410041813.
Genomic context (GRCh38, chr21:31,672,294, plus strand): 5'-AAGTGAGGTGGGGGCATTCCTGGAGGGCGCTGGAGTGGGATGAGACCGGGCCGGGCGCCA[A>G]GAAGACCAGTAGATGGTGCCTGAAGTCCAATTACAGGACCAGGGGCAACTCCTTGAGTGC-3'
Protein context (NP_065757.1, residues 840-860): IGLQAPSTGL[Leu850Pro]GARPGLIPLQ